The following is an entry in ClinVar:

ClinVar aggregate classification (germline): Uncertain significance. Review status: criteria provided, multiple submitters, no conflicts (2 of 4 stars). 2 submissions from 2 submitters: Uncertain significance (2). Last evaluated 2023-06-24.

Conditions:
Cardiomyopathy (CMYO). Also called: Cardiomyopathies. Identifiers: Orphanet 167848, MedGen C0878544, MONDO:0004994, HP:0001638. Inheritance: Various modes of inheritance.
Hypertrophic cardiomyopathy. Also called: HYPERTROPHIC MYOCARDIOPATHY. Identifiers: Orphanet 217569, MedGen C0007194, MeSH D002312, MONDO:0005045, HP:0001639.

Allele frequency attached by ClinVar (database versions not stated): gnomAD exomes below 0.00001.
gnomAD v4.1: 3 of 1,614,228 alleles (0.00019%); highest among the groups gnomAD compares: Non-Finnish European, 0.00025%; no homozygotes.

Submissions (2):

Labcorp Genetics (formerly Invitae), Labcorp
Classification: Uncertain significance for Hypertrophic cardiomyopathy. Last evaluated: 2023-06-24. Review status: criteria provided, single submitter. Criteria: Invitae Variant Classification Sherloc (09022015). Collection method: clinical testing. Allele origin: germline.
Comment: This sequence change creates a premature translational stop signal (p.Gln1656*) in the MYH7 gene. It is expected to result in an absent or disrupted protein product. However, the current clinical and genetic evidence is not sufficient to establish whether loss-of-function variants in MYH7 cause disease. This variant is not present in population databases (gnomAD no frequency). This premature translational stop signal has been observed in individual(s) with clinical features of MYH7-related conditions (Invitae). ClinVar contains an entry for this variant (Variation ID: 850366). In summary, the available evidence is currently insufficient to determine the role of this variant in disease. Therefore, it has been classified as a Variant of Uncertain Significance.

All of Us Research Program, National Institutes of Health
Classification: Uncertain significance for Cardiomyopathy. Last evaluated: 2023-05-31. Review status: criteria provided, single submitter. Criteria: ACMG Guidelines, 2015. Collection method: clinical testing. Allele origin: germline. Inheritance: Autosomal dominant inheritance. Observed: 1 variant allele, 1 heterozygote.
Comment: This study involves interpretation of variants in research participants for the purpose of population health screening. Participant phenotype was not available at the time of variant classification. Additional details can be found in publication PMID: 35346344, PMCID: PMC8962531

NM_000257.4(MYH7):c.4966C>T (p.Gln1656Ter)

Genes: MHRT (myosin heavy chain associated RNA transcript; plus strand), MYH7 (myosin heavy chain 7; minus strand), LOC126861897 (BRD4-independent group 4 enhancer GRCh37_chr14:23884455-23885654; plus strand). Cytogenetic location: 14q11.2.
Variant type: single nucleotide variant.
Coding change: c.4966C>T on transcript NM_000257.4 (MANE Select); coding-DNA position 4966, C replaced by T.
Protein change: p.Gln1656Ter; replaces glutamine 1656 with a stop codon.
Molecular consequence: nonsense. On other transcripts: non-coding transcript variant (1).
Genome position (GRCh38, 1-based): chr14:23,415,820, G>A on the plus strand (C>T on the coding strand, the complement: MYH7 is on the minus strand). VCF-style: chr14-23415820-G-A. GRCh37 (hg19) VCF-style: chr14-23885029-G-A.
Other names: short protein forms Q1656*.
Identifiers: ClinVar variation 850366 (VCV000850366.4), dbSNP rs1555336334, ClinGen allele CA389037232.